The following is an entry in ClinVar:

NM_016492.5(RANGRF):c.35G>A (p.Gly12Asp)

Genes: RANGRF (RAN guanine nucleotide release factor; plus strand), SLC25A35 (solute carrier family 25 member 35; minus strand). Cytogenetic location: 17p13.1.
Variant type: single nucleotide variant.
Coding change: c.35G>A on transcript NM_016492.5 (MANE Select); coding-DNA position 35, G replaced by A.
Protein change: p.Gly12Asp; replaces glycine 12 with aspartic acid.
Molecular consequence: missense variant. On other transcripts: 3 prime UTR variant (1), non-coding transcript variant (1), intron variant (1).
Genome position (GRCh38, 1-based): chr17:8,288,823, G>A. VCF-style: chr17-8288823-G-A. GRCh37 (hg19) VCF-style: chr17-8192141-G-A.
Other names: c.35G>A, p.Gly12Asp (NM_001177801.2, NM_001177802.2, NM_001330127.2); c.*793C>T (NM_201520.3); c.*43-391C>T (NM_001320871.2); short protein forms G12D.
Identifiers: ClinVar variation 1377877 (VCV001377877.6), dbSNP rs1990240045, ClinGen allele CA397993748.

ClinVar aggregate classification (germline): Uncertain significance (1 of 4 stars; one submission).

Conditions:
Cardiac arrhythmia. Also called: Cardiac rhythm disease; Arrhythmia. Identifiers: MedGen C0003811, MONDO:0007263, HP:0011675.

Allele frequency attached by ClinVar (database versions not stated): TOPMed 0.00002.
gnomAD v4.1: 4 of 1,614,210 alleles (0.00025%); highest among the groups gnomAD compares: Admixed American, 0.0033%; no homozygotes.

Submission:

Labcorp Genetics (formerly Invitae), Labcorp
Classification: Uncertain significance for Cardiac arrhythmia. Last evaluated: 2024-12-06. Review status: criteria provided, single submitter. Criteria: Invitae Variant Classification Sherloc (09022015). Collection method: clinical testing. Allele origin: germline.
Comment: This sequence change replaces glycine, which is neutral and non-polar, with aspartic acid, which is acidic and polar, at codon 12 of the RANGRF protein (p.Gly12Asp). This variant is not present in population databases (gnomAD no frequency). This variant has not been reported in the literature in individuals affected with RANGRF-related conditions. ClinVar contains an entry for this variant (Variation ID: 1377877). An algorithm developed to predict the effect of missense changes on protein structure and function (PolyPhen-2) suggests that this variant is likely to be disruptive. In summary, the available evidence is currently insufficient to determine the role of this variant in disease. Therefore, it has been classified as a Variant of Uncertain Significance.